The following is an entry in ClinVar:

ClinVar aggregate classification (germline): Conflicting classifications of pathogenicity. Review status: criteria provided, conflicting classifications (1 of 4 stars). 5 submissions from 5 submitters: Likely pathogenic (3); Uncertain significance (2). Last evaluated 2026-06-10.

Conditions:
Muscular dystrophy, limb-girdle, autosomal dominant 4. Also called: Calpain-3-related limb-girdle muscular dystrophy D4; MUSCULAR DYSTROPHY, LIMB-GIRDLE, TYPE 1I. Identifiers: Orphanet 565909, MedGen C4748295, MONDO:0029133, OMIM 618129.
Autosomal recessive limb-girdle muscular dystrophy type 2A (LGMDR1). Also called: Muscular dystrophy, limb-girdle, type 2A, Amish; MUSCULAR DYSTROPHY, PELVOFEMORAL; Calpainopathy; LEYDEN-MOEBIUS MUSCULAR DYSTROPHY; Limb-girdle muscular dystrophy, type 2A. Identifiers: Orphanet 267, MedGen C1869123, MONDO:0009675, OMIM 253600. Disease mechanism: loss of function.

Allele frequency attached by ClinVar (database versions not stated): gnomAD exomes below 0.00001 and 0.00001; ExAC 0.00001.
gnomAD v4.1: 3 of 1,613,970 alleles (0.00019%); highest among the groups gnomAD compares: South Asian, 0.0033%; no homozygotes.

Submissions (5):

Myriad Genetics, Inc.
Classification: Likely pathogenic for Autosomal recessive limb-girdle muscular dystrophy type 2A. Last evaluated: 2026-06-10. Review status: criteria provided, single submitter. Criteria: Myriad Autosomal Dominant, Autosomal Recessive and X-Linked Classification Criteria (2023). Collection method: clinical testing. Allele origin: unknown.
Comment: NM_000070.2(CAPN3):c.638A>G(H213R) is a missense variant classified as likely pathogenic in the context of calpainopathy. H213R has been observed in cases with relevant disease (PMID: 28403181, 15689361, Bohme_2021_(Thesis)). Relevant functional assessments of this variant are not available in the literature. Internal structural analysis of the variant is supportive of pathogenicity. H213R has been observed in referenced population frequency databases. In summary, NM_000070.2(CAPN3):c.638A>G(H213R) is a missense variant that has internal structural support for pathogenicity and has been observed more frequently in cases with the relevant disease than in healthy populations. Please note: this variant was assessed in the context of healthy population screening.

Natera, Inc.
Classification: Likely pathogenic for Limb-girdle muscular dystrophy type 2A. Last evaluated: 2025-04-09. Review status: criteria provided, single submitter. Criteria: Natera Variant Classification Schema (03/2026). Collection method: clinical testing. Allele origin: germline.
Comment: The c.638A>G variant in CAPN3 is a missense variant predicted to cause substitution of histidine to arginine at amino acid 213. This variant is rare in the general population with a frequency below the threshold expected for the associated phenotype(s). This variant has been observed in one or more individuals affected with the associated recessive disease, as either homozygous or compound heterozygous with a second variant (PMID: 28403181, 15689361). This variant has been identified in one or more affected individuals with a phenotype highly consistent with the associated gene (PMID: 28403181). Computational prediction algorithms indicate this variant is likely to affect gene or protein function. Given the available evidence, this variant is classified as Likely Pathogenic.

Women's Health and Genetics/Laboratory Corporation of America, LabCorp
Classification: Uncertain significance. Last evaluated: 2024-10-17. Review status: criteria provided, single submitter. Criteria: LabCorp Variant Classification Summary - May 2015. Collection method: clinical testing. Allele origin: germline.
Comment: Variant summary: CAPN3 c.638A>G (p.His213Arg) results in a non-conservative amino acid change located in the Peptidase C2, calpain, catalytic domain (IPR001300) of the encoded protein sequence. Five of five in-silico tools predict a damaging effect of the variant on protein function. The variant allele was found at a frequency of 4e-06 in 251468 control chromosomes. The available data on variant occurrences in the general population are insufficient to allow any conclusion about variant significance.c.638A>G has been reported in the literature as a non-informative genotype (second allele not specified) in at-least one individual affected with Limb-Girdle Muscular Dystrophy (example Saenz_2005). These report(s) do not provide unequivocal conclusions about association of the variant with Limb-Girdle Muscular Dystrophy, Autosomal Recessive. To our knowledge, no experimental evidence demonstrating an impact on protein function has been reported. The following publication has been ascertained in the context of this evaluation (PMID: 15689361). ClinVar contains an entry for this variant (Variation ID: 1009176). Based on the evidence outlined above, the variant was classified as uncertain significance.

Baylor Genetics
Classification: Likely pathogenic for Muscular dystrophy, limb-girdle, autosomal dominant 4. Last evaluated: 2024-03-07. Review status: criteria provided, single submitter. Criteria: ACMG Guidelines, 2015. Collection method: clinical testing. Allele origin: unknown.

Labcorp Genetics (formerly Invitae), Labcorp
Classification: Uncertain significance for Autosomal recessive limb-girdle muscular dystrophy type 2A. Last evaluated: 2022-06-20. Review status: criteria provided, single submitter. Criteria: Invitae Variant Classification Sherloc (09022015). Collection method: clinical testing. Allele origin: germline.
Comment: This sequence change replaces histidine, which is basic and polar, with arginine, which is basic and polar, at codon 213 of the CAPN3 protein (p.His213Arg). This variant is present in population databases (rs768447053, gnomAD 0.003%). This missense change has been observed in individual(s) with limb-girdle muscular dystrophy (PMID: 15689361). ClinVar contains an entry for this variant (Variation ID: 1009176). Advanced modeling of protein sequence and biophysical properties (such as structural, functional, and spatial information, amino acid conservation, physicochemical variation, residue mobility, and thermodynamic stability) performed at Invitae indicates that this missense variant is expected to disrupt CAPN3 protein function. In summary, the available evidence is currently insufficient to determine the role of this variant in disease. Therefore, it has been classified as a Variant of Uncertain Significance.

Literature cited by the submitters: PubMed 28403181 (cited by Natera, Inc.); PubMed 15689361 (cited by 3 submitters); PubMed 32994280 (cited by Women's Health and Genetics/Laboratory Corporation of America, LabCorp).

NM_000070.3(CAPN3):c.638A>G (p.His213Arg)

Gene: CAPN3 (calpain 3; plus strand). Cytogenetic location: 15q15.1.
Variant type: single nucleotide variant.
Coding change: c.638A>G on transcript NM_000070.3 (MANE Select); coding-DNA position 638, A replaced by G.
Protein change: p.His213Arg; replaces histidine 213 with arginine.
Molecular consequence: missense variant.
Genome position (GRCh38, 1-based): chr15:42,388,933, A>G. VCF-style: chr15-42388933-A-G. GRCh37 (hg19) VCF-style: chr15-42681131-A-G.
Other names: c.638A>G, p.His213Arg (NM_024344.2, NM_173087.2); c.638A>G (NM_000070.2); short protein forms H213R.
Identifiers: ClinVar variation 1009176 (VCV001009176.14), dbSNP rs768447053, ClinGen allele CA7511088.